The following is an entry in ClinVar:

NM_054027.6(ANKH):c.1083T>G (p.Phe361Leu)

Gene: ANKH (ANKH inorganic pyrophosphate transport regulator; minus strand). Cytogenetic location: 5p15.2.
Variant type: single nucleotide variant.
Coding change: c.1083T>G on transcript NM_054027.6 (MANE Select); coding-DNA position 1083, T replaced by G.
Protein change: p.Phe361Leu; replaces phenylalanine 361 with leucine.
Molecular consequence: missense variant.
Genome position (GRCh38, 1-based): chr5:14,716,764, A>C on the plus strand (T>G on the coding strand, the complement: ANKH is on the minus strand). VCF-style: chr5-14716764-A-C. GRCh37 (hg19) VCF-style: chr5-14716873-A-C.
Other names: short protein forms F361L.
Identifiers: ClinVar variation 2170233 (VCV002170233.4), dbSNP rs1737478093, ClinGen allele CA359245354.

ClinVar aggregate classification (germline): Uncertain significance (1 of 4 stars; one submission).

gnomAD v4.1: 2 of 1,614,206 alleles (0.00012%); highest among the groups gnomAD compares: Non-Finnish European, 0.000085%; no homozygotes.

Submission:

Labcorp Genetics (formerly Invitae), Labcorp
Classification: Uncertain significance. Last evaluated: 2024-05-06. Review status: criteria provided, single submitter. Criteria: Invitae Variant Classification Sherloc (09022015). Collection method: clinical testing. Allele origin: germline.
Comment: This sequence change replaces phenylalanine, which is neutral and non-polar, with leucine, which is neutral and non-polar, at codon 361 of the ANKH protein (p.Phe361Leu). This variant is not present in population databases (gnomAD no frequency). This variant has not been reported in the literature in individuals affected with ANKH-related conditions. ClinVar contains an entry for this variant (Variation ID: 2170233). Advanced modeling of protein sequence and biophysical properties (such as structural, functional, and spatial information, amino acid conservation, physicochemical variation, residue mobility, and thermodynamic stability) performed at Invitae indicates that this missense variant is not expected to disrupt ANKH protein function with a negative predictive value of 80%. In summary, the available evidence is currently insufficient to determine the role of this variant in disease. Therefore, it has been classified as a Variant of Uncertain Significance.